The following is an entry in ClinVar:

NM_020987.5(ANK3):c.3540+5T>C

Gene: ANK3 (ankyrin 3; minus strand). Cytogenetic location: 10q21.2.
Variant type: single nucleotide variant.
Coding change: c.3540+5T>C on transcript NM_020987.5 (MANE Select); 5 bases into the intron after coding-DNA position 3540, T replaced by C.
Molecular consequence: intron variant.
Genome position (GRCh38, 1-based): chr10:60,088,142, A>G on the plus strand (T>C on the coding strand, the complement: ANK3 is on the minus strand). VCF-style: chr10-60088142-A-G. GRCh37 (hg19) VCF-style: chr10-61847900-A-G.
Other names: c.3522+5T>C (NM_001204403.2); c.3543+5T>C (NM_001204404.2); c.3540+5T>C (NM_001320874.2); c.942+5T>C (NM_001149.4).
Identifiers: ClinVar variation 2191369 (VCV002191369.4), dbSNP rs991761561, ClinGen allele CA208254248.

ClinVar aggregate classification (germline): Uncertain significance (1 of 4 stars; one submission).

Allele frequency attached by ClinVar (database versions not stated): gnomAD 0.00001; TOPMed 0.00002.
gnomAD v4.1: 18 of 1,613,702 alleles (0.0011%); highest among the groups gnomAD compares: Middle Eastern, 0.016%; no homozygotes.

Submission:

Labcorp Genetics (formerly Invitae), Labcorp
Classification: Uncertain significance. Last evaluated: 2022-01-03. Review status: criteria provided, single submitter. Criteria: Invitae Variant Classification Sherloc (09022015). Collection method: clinical testing. Allele origin: germline.
Comment: In summary, the available evidence is currently insufficient to determine the role of this variant in disease. Therefore, it has been classified as a Variant of Uncertain Significance. Variants that disrupt the consensus splice site are a relatively common cause of aberrant splicing (PMID: 17576681, 9536098). Experimental studies and prediction algorithms are not available or were not evaluated, and the effect of this variant on mRNA splicing is currently unknown. This variant has not been reported in the literature in individuals affected with ANK3-related conditions. This variant is not present in population databases (gnomAD no frequency). This sequence change falls in intron 29 of the ANK3 gene. It does not directly change the encoded amino acid sequence of the ANK3 protein. It affects a nucleotide within the consensus splice site.

Literature cited by the submitters: PubMed 17576681; PubMed 9536098.